The following is an entry in ClinVar:

NM_000159.4(GCDH):c.873del (p.Asn291fs)

Gene: GCDH (glutaryl-CoA dehydrogenase; plus strand). Cytogenetic location: 19p13.13.
Variant type: Deletion.
Coding change: c.873del on transcript NM_000159.4 (MANE Select); coding-DNA position 873, one base deleted (C; older notation c.873delC).
Protein change: p.Asn291fs; shifts the reading frame from asparagine 291.
Molecular consequence: frameshift variant. On other transcripts: non-coding transcript variant (2).
Genome position (GRCh38, 1-based): chr19:12,896,930, C deleted. VCF-style (leftmost placement, unchanged base first): chr19-12896929-AC-A. GRCh37 (hg19) VCF-style: chr19-13007743-AC-A.
Other names: c.873del, p.Asn291fs (NM_013976.5); short protein forms N291fs.
Identifiers: ClinVar variation 371609 (VCV000371609.6), dbSNP rs1057517407, ClinGen allele CA16041973.

ClinVar aggregate classification (germline): Pathogenic. Review status: criteria provided, multiple submitters, no conflicts (2 of 4 stars). 3 submissions from 3 submitters: Pathogenic (2). 1 of the submissions does not count toward it. Last evaluated 2024-03-28.

Conditions:
Glutaric aciduria, type 1. Also called: Glutaryl-CoA dehydrogenase deficiency; Glutaricacidemia Type 1; Glutaricaciduria, type I; Glutaric Acidemia Type 1; GA I; Glutaric acidemia type I. Identifiers: Orphanet 25, MedGen C0268595, MONDO:0009281, OMIM 231670.

Submissions (3):

Fulgent Genetics
Classification: Pathogenic for Glutaric aciduria, type 1. Last evaluated: 2024-03-28. Review status: criteria provided, single submitter. Criteria: ACMG Guidelines, 2015. Collection method: clinical testing. Allele origin: germline.

Juno Genomics, Hangzhou Juno Genomics, Inc
Classification: Pathogenic for Glutaric aciduria, type 1. Review status: criteria provided, single submitter. Criteria: ACMG Guidelines, 2015. Collection method: clinical testing. Allele origin: germline.
Comment: Absent from controls (or at extremely low frequency if recessive) in Genome Aggregation Database.;Null variant in a gene where loss of function (LOF) is a known mechanism of disease.;For recessive disorders, detected in trans with a pathogenic variant.;Patient's phenotype or family history is highly specific for a disease with a single genetic etiology.

Counsyl
Classification: Likely pathogenic for Glutaric aciduria, type 1. Last evaluated: 2016-10-31. Review status: no assertion criteria provided. Collection method: clinical testing. Allele origin: unknown. Not counted in ClinVar's aggregate classification.

Literature cited by the submitters: PubMed 24332224 (cited by Counsyl).